The following is an entry in ClinVar:

ClinVar aggregate classification (germline): Likely pathogenic (1 of 4 stars; one submission).

Allele frequency attached by ClinVar (database versions not stated): gnomAD exomes below 0.00001.
gnomAD v4.1: 1 of 1,612,142 alleles (0.000062%); highest among the groups gnomAD compares: East Asian, 0.0022%; no homozygotes.

Submission:

Labcorp Genetics (formerly Invitae), Labcorp
Classification: Likely pathogenic. Last evaluated: 2022-10-10. Review status: criteria provided, single submitter. Criteria: Invitae Variant Classification Sherloc (09022015). Collection method: clinical testing. Allele origin: germline.
Comment: In summary, the currently available evidence indicates that the variant is pathogenic, but additional data are needed to prove that conclusively. Therefore, this variant has been classified as Likely Pathogenic. Algorithms developed to predict the effect of sequence changes on RNA splicing suggest that this variant may disrupt the consensus splice site. This variant has not been reported in the literature in individuals affected with PRDM5-related conditions. This variant is present in population databases (no rsID available, gnomAD 0.006%). This sequence change affects a donor splice site in intron 9 of the PRDM5 gene. It is expected to disrupt RNA splicing. Variants that disrupt the donor or acceptor splice site typically lead to a loss of protein function (PMID: 16199547), and loss-of-function variants in PRDM5 are known to be pathogenic (PMID: 21664999, 26395458).

Literature cited by the submitters: PubMed 16199547; PubMed 21664999; PubMed 26395458.

NM_018699.4(PRDM5):c.1030+2T>C

Gene: PRDM5 (PR/SET domain 5; minus strand). Cytogenetic location: 4q27.
Variant type: single nucleotide variant.
Coding change: c.1030+2T>C on transcript NM_018699.4 (MANE Select); the canonical splice donor site of the intron after coding-DNA position 1030, T replaced by C.
Molecular consequence: splice donor variant.
Genome position (GRCh38, 1-based): chr4:120,799,659, A>G on the plus strand (T>C on the coding strand, the complement: PRDM5 is on the minus strand). VCF-style: chr4-120799659-A-G. GRCh37 (hg19) VCF-style: chr4-121720814-A-G.
Other names: c.1030+2T>C (NM_001379104.1); c.937+2T>C (NM_001300824.2, NM_001379106.1, NM_001300823.2).
Identifiers: ClinVar variation 2035072 (VCV002035072.4), dbSNP rs1267028551, ClinGen allele CA358210377.